The following is an entry in ClinVar:

ClinVar aggregate classification (germline): Uncertain significance (1 of 4 stars; one submission).

Allele frequency attached by ClinVar (database versions not stated): ESP Exome Variant Server 0.00008.
gnomAD v4.1: 22 of 1,571,788 alleles (0.0014%); highest among the groups gnomAD compares: Non-Finnish European, 0.0019%; no homozygotes.

Submission:

Labcorp Genetics (formerly Invitae), Labcorp
Classification: Uncertain significance. Last evaluated: 2022-07-17. Review status: criteria provided, single submitter. Criteria: Invitae Variant Classification Sherloc (09022015). Collection method: clinical testing. Allele origin: germline.
Comment: This sequence change replaces leucine, which is neutral and non-polar, with isoleucine, which is neutral and non-polar, at codon 1145 of the KIDINS220 protein (p.Leu1145Ile). This variant is present in population databases (rs372306517, gnomAD 0.002%). This variant has not been reported in the literature in individuals affected with KIDINS220-related conditions. Algorithms developed to predict the effect of missense changes on protein structure and function are either unavailable or do not agree on the potential impact of this missense change (SIFT: "Deleterious"; PolyPhen-2: "Not Available"; Align-GVGD: "Class C0"). In summary, the available evidence is currently insufficient to determine the role of this variant in disease. Therefore, it has been classified as a Variant of Uncertain Significance.

NM_020738.4(KIDINS220):c.3433C>A (p.Leu1145Ile)

Gene: KIDINS220 (kinase D interacting substrate 220; minus strand). Cytogenetic location: 2p25.1.
Variant type: single nucleotide variant.
Coding change: c.3433C>A on transcript NM_020738.4 (MANE Select); coding-DNA position 3433, C replaced by A.
Protein change: p.Leu1145Ile; replaces leucine 1145 with isoleucine.
Molecular consequence: missense variant. On other transcripts: non-coding transcript variant (1), intron variant (8).
Genome position (GRCh38, 1-based): chr2:8,747,982, G>T on the plus strand (C>A on the coding strand, the complement: KIDINS220 is on the minus strand). VCF-style: chr2-8747982-G-T. GRCh37 (hg19) VCF-style: chr2-8888112-G-T.
Other names: c.3436C>A, p.Leu1146Ile (NM_001348729.2, NM_001348731.2); c.3433C>A, p.Leu1145Ile (NM_001348732.2, NM_001348738.2); c.3414+2130C>A (NM_001348741.2, NM_001348742.2, NM_001348743.2 and 1 more transcripts); c.3417+2130C>A (NM_001348739.2, NM_001348740.2, NM_001348734.2); c.3288+2130C>A (NM_001348736.2); short protein forms L1145I, L1146I.
Identifiers: ClinVar variation 1948825 (VCV001948825.5), dbSNP rs372306517, ClinGen allele CA1519648.